The following is an entry in ClinVar:

ClinVar aggregate classification (germline): Uncertain significance (1 of 4 stars; one submission).

Submission:

Labcorp Genetics (formerly Invitae), Labcorp
Classification: Uncertain significance. Last evaluated: 2025-08-24. Review status: criteria provided, single submitter. Criteria: Invitae Variant Classification Sherloc (09022015). Collection method: clinical testing. Allele origin: germline.
Comment: This sequence change replaces valine, which is neutral and non-polar, with leucine, which is neutral and non-polar, at codon 48 of the ATP6AP1 protein (p.Val48Leu). This variant is not present in population databases (gnomAD no frequency). This variant has not been reported in the literature in individuals affected with ATP6AP1-related conditions. Invitae Evidence Modeling of protein sequence and biophysical properties (such as structural, functional, and spatial information, amino acid conservation, physicochemical variation, residue mobility, and thermodynamic stability) indicates that this missense variant is not expected to disrupt ATP6AP1 protein function with a negative predictive value of 80%. In summary, the available evidence is currently insufficient to determine the role of this variant in disease. Therefore, it has been classified as a Variant of Uncertain Significance.

NM_001183.6(ATP6AP1):c.142G>T (p.Val48Leu)

Gene: ATP6AP1 (ATPase H+ transporting accessory protein 1; plus strand). Cytogenetic location: Xq28.
Variant type: single nucleotide variant.
Coding change: c.142G>T on transcript NM_001183.6 (MANE Select); coding-DNA position 142, G replaced by T.
Protein change: p.Val48Leu; replaces valine 48 with leucine.
Molecular consequence: missense variant.
Genome position (GRCh38, 1-based): chrX:154,428,834, G>T. VCF-style: chrX-154428834-G-T. GRCh37 (hg19) VCF-style: chrX-153657180-G-T.
Other names: short protein forms V48L.
Identifiers: ClinVar variation 4806549 (VCV004806549.1).